The following is an entry in ClinVar:

ClinVar aggregate classification (germline): Uncertain significance. Review status: criteria provided, multiple submitters, no conflicts (2 of 4 stars). 2 submissions from 2 submitters: Uncertain significance (2). Last evaluated 2021-09-21.

Conditions:
Long QT syndrome (LQTS). Identifiers: MedGen C0023976, MeSH D008133, MONDO:0002442. Disease mechanism: loss of function. Inheritance: Various modes of inheritance.

Allele frequency attached by ClinVar (database versions not stated): gnomAD exomes below 0.00001 and 0.00001; ExAC 0.00001; gnomAD 0.00001; TOPMed 0.00001; ESP Exome Variant Server 0.00008.
gnomAD v4.1: 18 of 1,613,964 alleles (0.0011%); highest among the groups gnomAD compares: Non-Finnish European, 0.0014%; no homozygotes.

Submissions (2):

AiLife Diagnostics
Classification: Uncertain significance. Last evaluated: 2021-09-21. Review status: criteria provided, single submitter. Criteria: ACMG Guidelines, 2015. Collection method: clinical testing. Allele origin: germline. Affected: yes. Observed: 1 variant allele.

Labcorp Genetics (formerly Invitae), Labcorp
Classification: Uncertain significance for Long QT syndrome. Last evaluated: 2021-08-05. Review status: criteria provided, single submitter. Criteria: Invitae Variant Classification Sherloc (09022015). Collection method: clinical testing. Allele origin: germline.
Comment: In summary, the available evidence is currently insufficient to determine the role of this variant in disease. Therefore, it has been classified as a Variant of Uncertain Significance. Algorithms developed to predict the effect of missense changes on protein structure and function are either unavailable or do not agree on the potential impact of this missense change (SIFT: "Deleterious"; PolyPhen-2: "Probably Damaging"; Align-GVGD: "Class C0"). This variant has not been reported in the literature in individuals with ANK2-related conditions. This variant is present in population databases (rs376912244, ExAC 0.001%). This sequence change replaces lysine with methionine at codon 3345 of the ANK2 protein (p.Lys3345Met). The lysine residue is moderately conserved and there is a moderate physicochemical difference between lysine and methionine.

NM_001148.6(ANK2):c.10034A>T (p.Lys3345Met)

Gene: ANK2 (ankyrin 2; plus strand). Cytogenetic location: 4q26.
Variant type: single nucleotide variant.
Coding change: c.10034A>T on transcript NM_001148.6 (MANE Select); coding-DNA position 10034, A replaced by T.
Protein change: p.Lys3345Met; replaces lysine 3345 with methionine.
Molecular consequence: missense variant. On other transcripts: intron variant (68).
Genome position (GRCh38, 1-based): chr4:113,358,652, A>T. VCF-style: chr4-113358652-A-T. GRCh37 (hg19) VCF-style: chr4-114279808-A-T.
Other names: c.9800A>T, p.Lys3267Met (NM_001386142.1); c.6434A>T, p.Lys2145Met (NM_001386166.1); c.10175A>T, p.Lys3392Met (NM_001386174.1); c.10151A>T, p.Lys3384Met (NM_001386175.1); c.4412-2171A>T (NM_001386186.2, NM_001386148.2); c.4214-2171A>T (NM_001354269.3); c.4292-2171A>T (NM_001386187.2); c.4253-2171A>T (NM_001386147.1); and 35 more; short protein forms K3384M, K3392M, K3267M, K3345M, K2145M.
Identifiers: ClinVar variation 1434772 (VCV001434772.9), dbSNP rs376912244, ClinGen allele CA3052018.